The following is an entry in ClinVar:

NM_006180.6(NTRK2):c.2029G>C (p.Ala677Pro)

Gene: NTRK2 (neurotrophic receptor tyrosine kinase 2; plus strand). Cytogenetic location: 9q21.33.
Variant type: single nucleotide variant.
Coding change: c.2029G>C on transcript NM_006180.6 (MANE Select); coding-DNA position 2029, G replaced by C.
Protein change: p.Ala677Pro; replaces alanine 677 with proline.
Molecular consequence: missense variant.
Genome position (GRCh38, 1-based): chr9:84,955,374, G>C. VCF-style: chr9-84955374-G-C. GRCh37 (hg19) VCF-style: chr9-87570289-G-C.
Other names: c.1981G>C, p.Ala661Pro (NM_001018064.3, NM_001369532.1, NM_001369533.1); c.1945G>C, p.Ala649Pro (NM_001369534.1); c.1513G>C, p.Ala505Pro (NM_001369535.1); c.1561G>C, p.Ala521Pro (NM_001369536.1); short protein forms A521P, A661P, A505P, A649P, A677P.
Identifiers: ClinVar variation 4123436 (VCV004123436.2).
Genomic context (GRCh38, chr9:84,955,374, plus strand): 5'-GAGGGCAACCCGCCCACGGAACTGACGCAGTCGCAGATGCTGCATATAGCCCAGCAGATC[G>C]CCGCGGGCATGGTCTACCTGGCGTCCCAGCACTTCGTGCACCGCGATTTGGCCACCAGGA-3'
Protein context (NP_006171.2, residues 667-687): SQMLHIAQQI[Ala677Pro]AGMVYLASQH

ClinVar aggregate classification (germline): Uncertain significance (1 of 4 stars; one submission).

Conditions:
Inborn genetic diseases. Identifiers: MedGen C0950123, MeSH D030342.

Submission:

Ambry Genetics
Classification: Uncertain significance for Inborn genetic diseases. Last evaluated: 2025-10-09. Review status: criteria provided, single submitter. Criteria: Ambry Variant Classification Scheme 2023. Collection method: clinical testing. Allele origin: germline.
Comment: The c.2029G>C (p.A677P) alteration is located in exon 19 (coding exon 16) of the NTRK2 gene. This alteration results from a G to C substitution at nucleotide position 2029, causing the alanine (A) at amino acid position 677 to be replaced by a proline (P). This variant was not reported in population-based cohorts in the Genome Aggregation Database (gnomAD). This amino acid position is highly conserved in available vertebrate species. This missense alteration is located in a region that has a low rate of benign missense variation (Lek, 2016; Firth, 2009). This alteration is predicted to be deleterious by in silico analysis. Based on insufficient or conflicting evidence, the clinical significance of this alteration remains unclear.